The following is an entry in ClinVar:

NM_000383.4(AIRE):c.306del (p.Asp103fs)

Gene: AIRE (autoimmune regulator; plus strand). Cytogenetic location: 21q22.3.
Variant type: Deletion.
Coding change: c.306del on transcript NM_000383.4 (MANE Select); coding-DNA position 306, one base deleted (A; older notation c.306delA).
Protein change: p.Asp103fs; shifts the reading frame from aspartic acid 103.
Molecular consequence: frameshift variant.
Genome position (GRCh38, 1-based): chr21:44,286,730, A deleted; the last of 3 consecutive A bases (chr21:44,286,728-44,286,730); deleting any one gives the same sequence. VCF-style (leftmost placement, unchanged base first): chr21-44286727-CA-C. GRCh37 (hg19) VCF-style: chr21-45706610-CA-C.
Other names: short protein forms D103fs.
Identifiers: ClinVar variation 5016368 (VCV005016368.1).

ClinVar aggregate classification (germline): Pathogenic (1 of 4 stars; one submission).

Conditions:
Polyglandular autoimmune syndrome, type 1 (APS1). Also called: AUTOIMMUNE POLYENDOCRINE SYNDROME, TYPE I, WITH OR WITHOUT REVERSIBLE METAPHYSEAL DYSPLASIA; APS I; HYPOADRENOCORTICISM WITH HYPOPARATHYROIDISM AND SUPERFICIAL MONILIASIS; PGA I; Autoimmune polyendocrine syndrome type 1; Whitaker syndrome. Identifiers: Orphanet 3453, MedGen C0085859, MONDO:0009411, OMIM 240300.

Submission:

Myriad Genetics, Inc.
Classification: Pathogenic for Polyglandular autoimmune syndrome, type 1. Last evaluated: 2025-09-16. Review status: criteria provided, single submitter. Criteria: Myriad Autosomal Dominant, Autosomal Recessive and X-Linked Classification Criteria (2023). Collection method: clinical testing. Allele origin: unknown.
Comment: NM_000383.3(AIRE):c.306delA(D103Mfs*44) is expected to be pathogenic in the context of autoimmune polyglandular syndrome type 1. This variant is predicted to lead to an abnormal or absent protein product due to the creation of a premature termination codon in AIRE, a gene where loss-of-function variants are known to be pathogenic. Please note: this variant was assessed in the context of healthy population screening.